The following is an entry in ClinVar:

ClinVar aggregate classification (germline): Uncertain significance. Review status: criteria provided, multiple submitters, no conflicts (2 of 4 stars). 3 submissions from 3 submitters: Uncertain significance (3). Last evaluated 2025-04-12.

Conditions:
Mitochondrial complex II deficiency, nuclear type 1. Also called: SUCCINATE CoQ REDUCTASE DEFICIENCY. Identifiers: Orphanet 3208, MedGen C5700310, MONDO:0100294, OMIM 252011.
Pheochromocytoma/paraganglioma syndrome 5. Also called: Paragangliomas 5; SDHA-Related Hereditary Paraganglioma-Pheochromocytoma Syndrome. Identifiers: Orphanet 29072, MedGen C3279992, MONDO:0013602, OMIM 614165.
Hereditary cancer-predisposing syndrome. Also called: Hereditary Cancer Syndrome; Hereditary neoplastic syndrome; Neoplastic Syndromes, Hereditary; Tumor predisposition. Identifiers: Orphanet 140162, MedGen C0027672, MeSH D009386, MONDO:0015356.

Allele frequency attached by ClinVar (database versions not stated): gnomAD exomes below 0.00001.
gnomAD v4.1: 4 of 1,614,156 alleles (0.00025%); highest among the groups gnomAD compares: Non-Finnish European, 0.00034%; no homozygotes.

Submissions (3):

Ambry Genetics
Classification: Uncertain significance for Hereditary cancer-predisposing syndrome. Last evaluated: 2025-04-12. Review status: criteria provided, single submitter. Criteria: Ambry Variant Classification Scheme 2023. Collection method: clinical testing. Allele origin: germline.
Comment: The p.M410V variant (also known as c.1228A>G), located in coding exon 9 of the SDHA gene, results from an A to G substitution at nucleotide position 1228. The methionine at codon 410 is replaced by valine, an amino acid with highly similar properties. This amino acid position is highly conserved in available vertebrate species. In addition, this alteration is predicted to be deleterious by in silico analysis. Since supporting evidence is limited at this time, the clinical significance of this alteration remains unclear.

Labcorp Genetics (formerly Invitae), Labcorp
Classification: Uncertain significance for Pheochromocytoma/paraganglioma syndrome 5; Mitochondrial complex II deficiency, nuclear type 1. Last evaluated: 2025-01-30. Review status: criteria provided, single submitter. Criteria: Invitae Variant Classification Sherloc (09022015). Collection method: clinical testing. Allele origin: germline.
Comment: This sequence change replaces methionine, which is neutral and non-polar, with valine, which is neutral and non-polar, at codon 410 of the SDHA protein (p.Met410Val). This variant is not present in population databases (gnomAD no frequency). This variant has not been reported in the literature in individuals affected with SDHA-related conditions. ClinVar contains an entry for this variant (Variation ID: 230935). Invitae Evidence Modeling of protein sequence and biophysical properties (such as structural, functional, and spatial information, amino acid conservation, physicochemical variation, residue mobility, and thermodynamic stability) has been performed for this missense variant. However, the output from this modeling did not meet the statistical confidence thresholds required to predict the impact of this variant on SDHA protein function. In summary, the available evidence is currently insufficient to determine the role of this variant in disease. Therefore, it has been classified as a Variant of Uncertain Significance.

GeneDx
Classification: Uncertain significance. Last evaluated: 2023-10-20. Review status: criteria provided, single submitter. Criteria: GeneDx Variant Classification Process June 2021. Collection method: clinical testing. Allele origin: germline. Affected: yes.
Comment: Not observed at significant frequency in large population cohorts (gnomAD); In silico analysis supports that this missense variant has a deleterious effect on protein structure/function; Has not been previously published as pathogenic or benign to our knowledge

NM_004168.4(SDHA):c.1228A>G (p.Met410Val)

Gene: SDHA (succinate dehydrogenase complex flavoprotein subunit A; plus strand). Cytogenetic location: 5p15.33.
Variant type: single nucleotide variant.
Coding change: c.1228A>G on transcript NM_004168.4 (MANE Select); coding-DNA position 1228, A replaced by G.
Protein change: p.Met410Val; replaces methionine 410 with valine.
Molecular consequence: missense variant.
Genome position (GRCh38, 1-based): chr5:235,307, A>G. VCF-style: chr5-235307-A-G. GRCh37 (hg19) VCF-style: chr5-235422-A-G.
Other names: c.1084A>G, p.Met362Val (NM_001294332.2); c.1228A>G, p.Met410Val (NM_001330758.2); short protein forms M410V, M362V.
Identifiers: ClinVar variation 230935 (VCV000230935.16), dbSNP rs876658852, ClinGen allele CA10578630.